The following is an entry in ClinVar:

NM_020964.3(EPG5):c.36G>T (p.Lys12Asn)

Gene: EPG5 (ectopic P-granules 5 autophagy tethering factor; minus strand). Cytogenetic location: 18q21.1.
Variant type: single nucleotide variant.
Coding change: c.36G>T on transcript NM_020964.3 (MANE Select); coding-DNA position 36, G replaced by T.
Protein change: p.Lys12Asn; replaces lysine 12 with asparagine.
Molecular consequence: missense variant.
Genome position (GRCh38, 1-based): chr18:45,967,204, C>A on the plus strand (G>T on the coding strand, the complement: EPG5 is on the minus strand). VCF-style: chr18-45967204-C-A. GRCh37 (hg19) VCF-style: chr18-43547170-C-A.
Other names: c.36G>T, p.Lys12Asn (NM_001410858.1, NM_001410859.1); short protein forms K12N.
Identifiers: ClinVar variation 4724541 (VCV004724541.1).

ClinVar aggregate classification (germline): Uncertain significance (1 of 4 stars; one submission).

Conditions:
Vici syndrome (VICIS). Identifiers: Orphanet 1493, MedGen C1855772, MONDO:0009452, OMIM 242840.

Submission:

Labcorp Genetics (formerly Invitae), Labcorp
Classification: Uncertain significance for Vici syndrome. Last evaluated: 2025-08-05. Review status: criteria provided, single submitter. Criteria: Invitae Variant Classification Sherloc (09022015). Collection method: clinical testing. Allele origin: germline.
Comment: This sequence change replaces lysine, which is basic and polar, with asparagine, which is neutral and polar, at codon 12 of the EPG5 protein (p.Lys12Asn). This variant is not present in population databases (gnomAD no frequency). This variant has not been reported in the literature in individuals affected with EPG5-related conditions. An algorithm developed to predict the effect of missense changes on protein structure and function (PolyPhen-2) suggests that this variant is likely to be disruptive. In summary, the available evidence is currently insufficient to determine the role of this variant in disease. Therefore, it has been classified as a Variant of Uncertain Significance.